The following is an entry in ClinVar:

ClinVar aggregate classification (germline): Uncertain significance (1 of 4 stars; one submission).

Allele frequency attached by ClinVar (database versions not stated): TOPMed 0.00001; ESP Exome Variant Server 0.00008; gnomAD exomes 0.00003; ExAC 0.00006.
gnomAD v4.1: 8 of 1,592,412 alleles (0.0005%); highest among the groups gnomAD compares: Admixed American, 0.013%; no homozygotes.

Submission:

GeneDx
Classification: Uncertain significance. Last evaluated: 2014-05-11. Review status: criteria provided, single submitter. Criteria: GeneDx Variant Classification (06012015). Collection method: clinical testing. Allele origin: germline. Affected: yes.
Comment: p.Pro1272Gln (CCA>CAA): c.3815 C>A in exon 48 of the COL5A1 gene (NM_000093.3)A variant of unknown significance has been identified in the COL5A1 gene. To our knowledge the P1272Q variant has not been published as a mutation or as a benign polymorphism. The P1272Q variant was not observed in any significant frequency in approximately 6,500 individuals of European and African American ancestry in the NHLBI Exome Sequencing Project. The P1272Q variant is a non-conservative amino acid substitution, which is likely to impact secondary protein structure as these residues differ in polarity, charge, size and/or other properties. This substitution occurs at a position that is mostly conserved across species. In silico analysis predicts this variant is probably damaging to the protein structure/function. However, no missense mutations in nearby residues have been reported in association with Ehlers-Danlos syndrome, suggesting this region of the protein may be tolerant to change. Therefore, based on the currently available information, it is unclear whether this variant is a pathogenic mutation or a rare benign variant.This variant was found in TAAD

NM_000093.5(COL5A1):c.3815C>A (p.Pro1272Gln)

Gene: COL5A1 (collagen type V alpha 1 chain; plus strand). Cytogenetic location: 9q34.3.
Variant type: single nucleotide variant.
Coding change: c.3815C>A on transcript NM_000093.5 (MANE Select); coding-DNA position 3815, C replaced by A.
Protein change: p.Pro1272Gln; replaces proline 1272 with glutamine.
Molecular consequence: missense variant.
Genome position (GRCh38, 1-based): chr9:134,812,675, C>A. VCF-style: chr9-134812675-C-A. GRCh37 (hg19) VCF-style: chr9-137704521-C-A.
Other names: p.P1272Q:CCA>CAA; c.3815C>A, p.Pro1272Gln (NM_001278074.1); short protein forms P1272Q.
Identifiers: ClinVar variation 212966 (VCV000212966.2), dbSNP rs369684394, ClinGen allele CA323370.